The following is an entry in ClinVar:

NM_001851.6(COL9A1):c.1288-188A>C

Gene: COL9A1 (collagen type IX alpha 1 chain; minus strand). Cytogenetic location: 6q13.
Variant type: single nucleotide variant.
Coding change: c.1288-188A>C on transcript NM_001851.6 (MANE Select); 188 bases into the intron before coding-DNA position 1288, A replaced by C.
Molecular consequence: intron variant.
Genome position (GRCh38, 1-based): chr6:70,266,958, T>G on the plus strand (A>C on the coding strand, the complement: COL9A1 is on the minus strand). VCF-style: chr6-70266958-T-G. GRCh37 (hg19) VCF-style: chr6-70976661-T-G.
Other names: c.559-188A>C (NM_001377290.1, NM_078485.4, NM_001377289.1).
Identifiers: ClinVar variation 677936 (VCV000677936.1), dbSNP rs12196905, ClinGen allele CA140877343.

ClinVar aggregate classification (germline): Benign (1 of 4 stars; one submission).

Allele frequency attached by ClinVar (database versions not stated): 1000 Genomes Project 30x 0.08635; 1000 Genomes Project 0.08766; TOPMed 0.11684; gnomAD 0.12590 and 0.12653.
gnomAD v4.1: 19,294 of 152,164 alleles (13%); highest among the groups gnomAD compares: Non-Finnish European, 18%; 1,534 homozygotes.

Submission:

GeneDx
Classification: Benign. Last evaluated: 2018-06-14. Review status: criteria provided, single submitter. Criteria: GeneDx Variant Classification (06012015). Collection method: clinical testing. Allele origin: germline. Affected: yes.
Comment: This variant is considered likely benign or benign based on one or more of the following criteria: it is a conservative change, it occurs at a poorly conserved position in the protein, it is predicted to be benign by multiple in silico algorithms, and/or has population frequency not consistent with disease.